The following is an entry in ClinVar:

ClinVar aggregate classification (germline): Benign/Likely benign. Review status: criteria provided, multiple submitters, no conflicts (2 of 4 stars). 2 submissions from 2 submitters: Benign (1); Likely benign (1). Last evaluated 2024-04-04.

Conditions:
Hereditary cancer-predisposing syndrome. Also called: Neoplastic Syndromes, Hereditary; Tumor predisposition; Hereditary Cancer Syndrome; Hereditary neoplastic syndrome. Identifiers: Orphanet 140162, MedGen C0027672, MeSH D009386, MONDO:0015356.
Familial adenomatous polyposis 1 (FAP1). Also called: FAMILIAL ADENOMATOUS POLYPOSIS 1, ATTENUATED; POLYPOSIS, ADENOMATOUS INTESTINAL. Identifiers: MedGen C2713442, MONDO:0021056, OMIM 175100. Disease mechanism: loss of function.

Submissions (2):

Myriad Genetics, Inc.
Classification: Benign for Familial adenomatous polyposis 1. Last evaluated: 2024-04-04. Review status: criteria provided, single submitter. Criteria: Myriad Autosomal Dominant, Autosomal Recessive and X-Linked Classification Criteria (2023). Collection method: clinical testing. Allele origin: unknown.
Comment: This variant is considered benign. This variant is a silent/synonymous amino acid change and it is not expected to impact splicing.

Ambry Genetics
Classification: Likely benign for Hereditary cancer-predisposing syndrome. Last evaluated: 2021-03-05. Review status: criteria provided, single submitter. Criteria: Ambry Variant Classification Scheme 2023. Collection method: clinical testing. Allele origin: germline.

NM_000038.6(APC):c.6330C>A (p.Ser2110=)

Gene: APC (APC regulator of Wnt signaling pathway; plus strand). Cytogenetic location: 5q22.2.
Variant type: single nucleotide variant.
Coding change: c.6330C>A on transcript NM_000038.6 (MANE Select); coding-DNA position 6330, C replaced by A.
Protein change: p.Ser2110=; no amino-acid change (serine 2110 retained).
Molecular consequence: synonymous variant. On other transcripts: non-coding transcript variant (2).
Genome position (GRCh38, 1-based): chr5:112,841,924, C>A. VCF-style: chr5-112841924-C-A. GRCh37 (hg19) VCF-style: chr5-112177621-C-A.
Other names: c.6330C>A, p.Ser2110= (NM_001127510.3, NM_001354895.2, NM_001407450.1); c.6276C>A, p.Ser2092= (NM_001127511.3); c.6384C>A, p.Ser2128= (NM_001354896.2, NM_001407447.1, NM_001407448.1 and 1 more transcripts); c.6360C>A, p.Ser2120= (NM_001354897.2); c.6255C>A, p.Ser2085= (NM_001354898.2); c.6246C>A, p.Ser2082= (NM_001354899.2); c.6207C>A, p.Ser2069= (NM_001354900.2); c.6153C>A, p.Ser2051= (NM_001354901.2, NM_001407453.1); and 11 more.
Identifiers: ClinVar variation 1752903 (VCV001752903.3), dbSNP rs2149962502, ClinGen allele CA446210328.